The following is an entry in ClinVar:

NM_152383.5(DIS3L2):c.500A>T (p.Glu167Val)

Gene: DIS3L2 (DIS3 like 3'-5' exoribonuclease 2; plus strand). Cytogenetic location: 2q37.1.
Variant type: single nucleotide variant.
Coding change: c.500A>T on transcript NM_152383.5 (MANE Select); coding-DNA position 500, A replaced by T.
Protein change: p.Glu167Val; replaces glutamic acid 167 with valine.
Molecular consequence: missense variant. On other transcripts: non-coding transcript variant (2).
Genome position (GRCh38, 1-based): chr2:232,087,620, A>T. VCF-style: chr2-232087620-A-T. GRCh37 (hg19) VCF-style: chr2-232952330-A-T.
Other names: c.500A>T, p.Glu167Val (NM_001257281.2, NM_001257282.2); short protein forms E167V.
Identifiers: ClinVar variation 2190495 (VCV002190495.4), dbSNP rs1696703347, ClinGen allele CA351155113.

ClinVar aggregate classification (germline): Uncertain significance (1 of 4 stars; one submission).

Conditions:
Perlman syndrome (PRLMNS). Identifiers: Orphanet 2849, MedGen C0796113, MONDO:0009965, OMIM 267000.

Submission:

Labcorp Genetics (formerly Invitae), Labcorp
Classification: Uncertain significance for Perlman syndrome. Last evaluated: 2022-05-21. Review status: criteria provided, single submitter. Criteria: Invitae Variant Classification Sherloc (09022015). Collection method: clinical testing. Allele origin: germline.
Comment: In summary, the available evidence is currently insufficient to determine the role of this variant in disease. Therefore, it has been classified as a Variant of Uncertain Significance. Algorithms developed to predict the effect of missense changes on protein structure and function are either unavailable or do not agree on the potential impact of this missense change (SIFT: "Deleterious"; PolyPhen-2: "Benign"; Align-GVGD: "Class C0"). This variant has not been reported in the literature in individuals affected with DIS3L2-related conditions. This variant is not present in population databases (gnomAD no frequency). This sequence change replaces glutamic acid, which is acidic and polar, with valine, which is neutral and non-polar, at codon 167 of the DIS3L2 protein (p.Glu167Val).